The following is an entry in ClinVar:

NM_006516.4(SLC2A1):c.800C>T (p.Ala267Val)

Gene: SLC2A1 (solute carrier family 2 member 1; minus strand). Cytogenetic location: 1p34.2.
Variant type: single nucleotide variant.
Coding change: c.800C>T on transcript NM_006516.4 (MANE Select); coding-DNA position 800, C replaced by T.
Protein change: p.Ala267Val; replaces alanine 267 with valine.
Molecular consequence: missense variant.
Genome position (GRCh38, 1-based): chr1:42,929,660, G>A on the plus strand (C>T on the coding strand, the complement: SLC2A1 is on the minus strand). VCF-style: chr1-42929660-G-A. GRCh37 (hg19) VCF-style: chr1-43395331-G-A.
Other names: short protein forms A267V.
Identifiers: ClinVar variation 538676 (VCV000538676.6), dbSNP rs1553156058, ClinGen allele CA339957589.

ClinVar aggregate classification (germline): Uncertain significance (1 of 4 stars; one submission).

Conditions:
GLUT1 deficiency syndrome 1, autosomal recessive. Identifiers: MedGen C3149117.

Allele frequency attached by ClinVar (database versions not stated): gnomAD exomes below 0.00001.

Submission:

Labcorp Genetics (formerly Invitae), Labcorp
Classification: Uncertain significance for GLUT1 deficiency syndrome 1, autosomal recessive. Last evaluated: 2021-08-13. Review status: criteria provided, single submitter. Criteria: Invitae Variant Classification Sherloc (09022015). Collection method: clinical testing. Allele origin: germline.
Comment: This sequence change replaces alanine with valine at codon 267 of the SLC2A1 protein (p.Ala267Val). The alanine residue is moderately conserved and there is a small physicochemical difference between alanine and valine. This variant is not present in population databases (ExAC no frequency). This missense change has been observed in individual(s) with clinical features of SLC2A1-related conditions (Invitae). Algorithms developed to predict the effect of missense changes on protein structure and function (SIFT, PolyPhen-2, Align-GVGD) all suggest that this variant is likely to be tolerated. In summary, the available evidence is currently insufficient to determine the role of this variant in disease. Therefore, it has been classified as a Variant of Uncertain Significance.